The following is an entry in ClinVar:

NM_000122.2(ERCC3):c.751T>C (p.Phe251Leu)

Gene: ERCC3 (ERCC excision repair 3, TFIIH core complex helicase subunit; minus strand). Cytogenetic location: 2q14.3.
Variant type: single nucleotide variant.
Coding change: c.751T>C on transcript NM_000122.2 (MANE Select); coding-DNA position 751, T replaced by C.
Protein change: p.Phe251Leu; replaces phenylalanine 251 with leucine.
Molecular consequence: missense variant.
Genome position (GRCh38, 1-based): chr2:127,289,408, A>G on the plus strand (T>C on the coding strand, the complement: ERCC3 is on the minus strand). VCF-style: chr2-127289408-A-G. GRCh37 (hg19) VCF-style: chr2-128046984-A-G.
Other names: c.559T>C, p.Phe187Leu (NM_001303416.2, NM_001303418.2); short protein forms F187L, F251L.
Identifiers: ClinVar variation 1908218 (VCV001908218.5), dbSNP rs759450760, ClinGen allele CA1858453.

ClinVar aggregate classification (germline): Uncertain significance (1 of 4 stars; one submission).

Allele frequency attached by ClinVar (database versions not stated): ExAC 0.00001; gnomAD exomes 0.00001; TOPMed 0.00002; gnomAD 0.00003.
gnomAD v4.1: 9 of 1,613,394 alleles (0.00056%); highest among the groups gnomAD compares: African/African-American, 0.011%; no homozygotes.

Submission:

Labcorp Genetics (formerly Invitae), Labcorp
Classification: Uncertain significance. Last evaluated: 2022-03-09. Review status: criteria provided, single submitter. Criteria: Invitae Variant Classification Sherloc (09022015). Collection method: clinical testing. Allele origin: germline.
Comment: This sequence change replaces phenylalanine, which is neutral and non-polar, with leucine, which is neutral and non-polar, at codon 251 of the ERCC3 protein (p.Phe251Leu). This variant is present in population databases (rs759450760, gnomAD 0.008%). This variant has not been reported in the literature in individuals affected with ERCC3-related conditions. Algorithms developed to predict the effect of missense changes on protein structure and function (SIFT, PolyPhen-2, Align-GVGD) all suggest that this variant is likely to be tolerated. In summary, the available evidence is currently insufficient to determine the role of this variant in disease. Therefore, it has been classified as a Variant of Uncertain Significance.